The following is an entry in ClinVar:

ClinVar aggregate classification (germline): Likely benign (1 of 4 stars; one submission).

gnomAD v4.1: 368 of 1,612,738 alleles (0.023%); highest among the groups gnomAD compares: African/African-American, 0.42%; 1 homozygote.

Submission:

Mayo Clinic Laboratories, Mayo Clinic
Classification: Likely benign. Last evaluated: 2025-12-14. Review status: criteria provided, single submitter. Criteria: ACMG Guidelines, 2015. Collection method: clinical testing. Allele origin: germline. Observed: 1 variant allele.
Comment: BS1

NM_001177316.2(SLC34A3):c.-7G>A

Gene: SLC34A3 (solute carrier family 34 member 3; plus strand). Cytogenetic location: 9q34.3.
Variant type: single nucleotide variant.
Coding change: c.-7G>A on transcript NM_001177316.2 (MANE Select); 7 bases upstream of the start codon, G replaced by A.
Molecular consequence: 5 prime UTR variant.
Genome position (GRCh38, 1-based): chr9:137,231,696, G>A. VCF-style: chr9-137231696-G-A. GRCh37 (hg19) VCF-style: chr9-140126148-G-A.
Other names: c.-7G>A (NM_001177317.2, NM_080877.3).
Identifiers: ClinVar variation 4683476 (VCV004683476.1).
Genomic context (GRCh38, chr9:137,231,696, plus strand): 5'-TCTCTGACACGCGCGTCCCCCCCAGCAGATCTAGACCTGGGCCTGGGTCTGTCCCTGCCC[G>A]AAATCCATGCCGAGTTCCCTTCCCGGCAGCCAGGTCCCCCACCCCACTCTGGACGCGGTT-3'